The following is an entry in ClinVar:

NM_001370785.2(LRRC7):c.2757T>C (p.Ser919=)

Genes: LRRC7 (leucine rich repeat containing 7; plus strand), LRRC7-AS1 (LRRC7 antisense RNA 1; minus strand). Cytogenetic location: 1p31.1.
Variant type: single nucleotide variant.
Coding change: c.2757T>C on transcript NM_001370785.2 (MANE Select); coding-DNA position 2757, T replaced by C.
Protein change: p.Ser919=; no amino-acid change (serine 919 retained).
Molecular consequence: synonymous variant. On other transcripts: non-coding transcript variant (1).
Genome position (GRCh38, 1-based): chr1:70,038,581, T>C. VCF-style: chr1-70038581-T-C. GRCh37 (hg19) VCF-style: chr1-70504264-T-C.
Other names: c.2658T>C, p.Ser886= (NM_001330635.3, NM_001366841.1); c.2760T>C, p.Ser920= (NM_001350216.3); c.2757T>C, p.Ser919= (NM_001366838.3); c.2598T>C, p.Ser866= (NM_001366839.3).
Identifiers: ClinVar variation 4820863 (VCV004820863.4).

ClinVar aggregate classification (germline): Likely benign (1 of 4 stars; one submission).

gnomAD v4.1: 1,433 of 1,614,124 alleles (0.089%); highest among the groups gnomAD compares: Non-Finnish European, 0.11%; 1 homozygote.

Submission:

CeGaT Center for Human Genetics Tuebingen
Classification: Likely benign. Last evaluated: 2026-03-01. Review status: criteria provided, single submitter. Criteria: CeGaT Center For Human Genetics Tuebingen Variant Classification Criteria Version 2. Collection method: clinical testing. Allele origin: germline. Affected: yes. Observed: 1 variant allele.
Comment: LRRC7: BP4, BP7, BS1